The following is an entry in ClinVar:

ClinVar aggregate classification (germline): Uncertain significance (1 of 4 stars; one submission).

Conditions:
Pancreatic adenocarcinoma. Identifiers: MedGen C0281361, MONDO:0006047, HP:0006725.

Submission:

Labcorp Genetics (formerly Invitae), Labcorp
Classification: Uncertain significance for Pancreatic adenocarcinoma. Last evaluated: 2021-12-29. Review status: criteria provided, single submitter. Criteria: Invitae Variant Classification Sherloc (09022015). Collection method: clinical testing. Allele origin: germline.
Comment: In summary, the available evidence is currently insufficient to determine the role of this variant in disease. Therefore, it has been classified as a Variant of Uncertain Significance. Algorithms developed to predict the effect of missense changes on protein structure and function (SIFT, PolyPhen-2, Align-GVGD) all suggest that this variant is likely to be tolerated. This variant has not been reported in the literature in individuals affected with PALLD-related conditions. This variant is not present in population databases (gnomAD no frequency). This sequence change replaces arginine, which is basic and polar, with glycine, which is neutral and non-polar, at codon 63 of the PALLD protein (p.Arg63Gly).

NM_001166108.2(PALLD):c.1965-12844C>G

Gene: PALLD (palladin, cytoskeletal associated protein; plus strand). Cytogenetic location: 4q32.3.
Variant type: single nucleotide variant.
Coding change: c.1965-12844C>G on transcript NM_001166108.2 (MANE Select); 12844 bases into the intron before coding-DNA position 1965, C replaced by G.
Molecular consequence: intron variant. On other transcripts: missense variant (1).
Genome position (GRCh38, 1-based): chr4:168,878,078, C>G. VCF-style: chr4-168878078-C-G. GRCh37 (hg19) VCF-style: chr4-169799229-C-G.
Other names: c.187C>G, p.Arg63Gly (NM_001166110.2); c.1965-12844C>G (NM_016081.4); c.819-12844C>G (NM_001166109.2); c.-157-12844C>G (NM_001367570.1, NM_001367568.1, NM_001367567.1 and 1 more transcripts); short protein forms R63G.
Identifiers: ClinVar variation 2064696 (VCV002064696.4), dbSNP rs1271956834, ClinGen allele CA358795437.
Genomic context (GRCh38, chr4:168,878,078, plus strand): 5'-TCCAGCCCCAGCTCGTCCAGCCTCCCGTCGCCCATGTCCCCGACGCCGAGGCAGTTCGGC[C>G]GCGCCCCCGTGCCGCCCTTCGCGCAGCCCTTCGGCGCTGAGCCCGAGGCCCCGTGGGGCT-3'